The following is an entry in ClinVar:

ClinVar aggregate classification (germline): Pathogenic/Likely pathogenic. Review status: criteria provided, multiple submitters, no conflicts (2 of 4 stars). 5 submissions from 5 submitters: Pathogenic (2); Likely pathogenic (3). Last evaluated 2025-12-21.

Conditions:
Fanconi anemia complementation group C (FANCC). Also called: FANCONI PANCYTOPENIA, TYPE 3; FACC; Fanconi anemia, group C; FANCC-Related Fanconi Anemia. Identifiers: Orphanet 84, MedGen C3468041, MONDO:0009213, OMIM 227645.
FANCC-related disorder. Also called: FANCC-related condition.
Hereditary cancer-predisposing syndrome. Also called: Neoplastic Syndromes, Hereditary; Tumor predisposition; Hereditary Cancer Syndrome; Hereditary neoplastic syndrome. Identifiers: Orphanet 140162, MedGen C0027672, MeSH D009386, MONDO:0015356.
Fanconi anemia (FA). Also called: Fanconi's anemia. Identifiers: Orphanet 84, MedGen C0015625, MeSH D005199, MONDO:0019391.

Submissions (5):

Natera, Inc.
Classification: Likely pathogenic for Fanconi anemia. Last evaluated: 2025-12-21. Review status: criteria provided, single submitter. Criteria: Natera Variant Classification Schema (03/2026). Collection method: clinical testing. Allele origin: germline.
Comment: The c.362_363delTA variant in FANCC is a frameshift variant predicted to shift the reading frame beginning at codon 121 and leads to a stop codon 7 codons downstream. This variant is expected to result in nonsense mediated decay, truncation, or a dysfunctional protein product. This variant is rare in the general population with a frequency below the threshold expected for the associated phenotype(s). Given the available evidence, this variant is classified as Likely Pathogenic.

Blueprint Genetics
Classification: Likely pathogenic for FANCC-related disorders. Last evaluated: 2024-11-06. Review status: criteria provided, single submitter. Criteria: ACMG Guidelines, 2015. Collection method: clinical testing. Allele origin: germline. Affected: yes. Observed: 3 variant alleles.

Labcorp Genetics (formerly Invitae), Labcorp
Classification: Pathogenic for Fanconi anemia. Last evaluated: 2022-12-22. Review status: criteria provided, single submitter. Criteria: Invitae Variant Classification Sherloc (09022015). Collection method: clinical testing. Allele origin: germline.
Comment: This sequence change creates a premature translational stop signal (p.Ile121Thrfs*7) in the FANCC gene. It is expected to result in an absent or disrupted protein product. Loss-of-function variants in FANCC are known to be pathogenic (PMID: 17924555). This variant is not present in population databases (gnomAD no frequency). This variant has not been reported in the literature in individuals affected with FANCC-related conditions. ClinVar contains an entry for this variant (Variation ID: 813471). For these reasons, this variant has been classified as Pathogenic.

Ambry Genetics
Classification: Pathogenic for Hereditary cancer-predisposing syndrome. Last evaluated: 2020-02-14. Review status: criteria provided, single submitter. Criteria: Ambry Variant Classification Scheme 2023. Collection method: clinical testing. Allele origin: germline.
Comment: The c.362_363delTA pathogenic mutation, located in coding exon 4 of the FANCC gene, results from a deletion of two nucleotides at nucleotide positions 362 to 363, causing a translational frameshift with a predicted alternate stop codon (p.I121Tfs*7). This alteration is expected to result in loss of function by premature protein truncation or nonsense-mediated mRNA decay. As such, this alteration is interpreted as a disease-causing mutation.

Baylor Genetics
Classification: Likely pathogenic for Fanconi anemia complementation group C. Review status: criteria provided, single submitter. Criteria: ACMG Guidelines, 2015. Collection method: clinical testing. Allele origin: germline.

Literature cited by the submitters: PubMed 17924555 (cited by Labcorp Genetics (formerly Invitae), Labcorp).

NM_000136.3(FANCC):c.362_363del (p.Ile121fs)

Gene: FANCC (FA complementation group C; minus strand). Cytogenetic location: 9q22.32.
Variant type: Microsatellite.
Coding change: c.362_363del on transcript NM_000136.3 (MANE Select); coding-DNA positions 362 to 363, 2 bases deleted (TA; older notation c.362_363delTA).
Protein change: p.Ile121fs; shifts the reading frame from isoleucine 121.
Molecular consequence: frameshift variant.
Genome position (GRCh38, 1-based): chr9:95,172,130-95,172,131, TA deleted on the plus strand (TA on the coding strand, the reverse complement: FANCC is on the minus strand); deleting any 2 consecutive bases within chr9:95,172,130-95,172,134 gives the same sequence; the c. name uses the placement nearest the transcript's 3' end. VCF-style (leftmost placement, unchanged base first): chr9-95172129-GTA-G. GRCh37 (hg19) VCF-style: chr9-97934411-GTA-G.
Other names: c.362_363del, p.Ile121fs (NM_001243743.2, NM_001243744.2); short protein forms I121fs.
Identifiers: ClinVar variation 813471 (VCV000813471.8), dbSNP rs1588220728, ClinGen allele CA915947038.